The following is an entry in ClinVar:

ClinVar aggregate classification (germline): Uncertain significance. Review status: criteria provided, multiple submitters, no conflicts (2 of 4 stars). 2 submissions from 2 submitters: Uncertain significance (2). Last evaluated 2026-01-25.

Conditions:
Inborn genetic diseases. Identifiers: MedGen C0950123, MeSH D030342.
2-aminoadipic 2-oxoadipic aciduria (AAKAD). Also called: ALPHA-AMINOADIPIC AND ALPHA-KETOADIPIC ACIDURIA; Aminoadipic aciduria. Identifiers: Orphanet 79154, MedGen C1859817, MONDO:0008774, OMIM 204750.

Allele frequency attached by ClinVar (database versions not stated): gnomAD 0.00001; gnomAD exomes 0.00001 and 0.00002; ExAC 0.00003; TOPMed 0.00003; ESP Exome Variant Server 0.00008.
gnomAD v4.1: 16 of 1,614,042 alleles (0.00099%); highest among the groups gnomAD compares: South Asian, 0.0033%; no homozygotes.

Submissions (2):

Labcorp Genetics (formerly Invitae), Labcorp
Classification: Uncertain significance for 2-aminoadipic 2-oxoadipic aciduria. Last evaluated: 2026-01-25. Review status: criteria provided, single submitter. Criteria: Invitae Variant Classification Sherloc (09022015). Collection method: clinical testing. Allele origin: germline.
Comment: This sequence change replaces alanine, which is neutral and non-polar, with valine, which is neutral and non-polar, at codon 275 of the DHTKD1 protein (p.Ala275Val). This variant is present in population databases (rs374760148, gnomAD 0.01%). This variant has not been reported in the literature in individuals affected with DHTKD1-related conditions. ClinVar contains an entry for this variant (Variation ID: 1449428). An algorithm developed to predict the effect of missense changes on protein structure and function (PolyPhen-2) suggests that this variant is likely to be tolerated. In summary, the available evidence is currently insufficient to determine the role of this variant in disease. Therefore, it has been classified as a Variant of Uncertain Significance.

Ambry Genetics
Classification: Uncertain significance for Inborn genetic diseases. Last evaluated: 2023-05-31. Review status: criteria provided, single submitter. Criteria: Ambry Variant Classification Scheme 2023. Collection method: clinical testing. Allele origin: germline.

NM_018706.7(DHTKD1):c.824C>T (p.Ala275Val)

Gene: DHTKD1 (dehydrogenase E1 and transketolase domain containing 1; plus strand). Cytogenetic location: 10p14.
Variant type: single nucleotide variant.
Coding change: c.824C>T on transcript NM_018706.7 (MANE Select); coding-DNA position 824, C replaced by T.
Protein change: p.Ala275Val; replaces alanine 275 with valine.
Molecular consequence: missense variant.
Genome position (GRCh38, 1-based): chr10:12,089,092, C>T. VCF-style: chr10-12089092-C-T. GRCh37 (hg19) VCF-style: chr10-12131091-C-T.
Other names: c.824C>T (NM_018706.5); short protein forms A275V.
Identifiers: ClinVar variation 1449428 (VCV001449428.7), dbSNP rs374760148, ClinGen allele CA5407658.